The following is an entry in ClinVar:

ClinVar aggregate classification (germline): Uncertain significance (1 of 4 stars; one submission).

Conditions:
Biotinidase deficiency. Also called: BTD deficiency; Late-onset biotin-responsive multiple carboxylase deficiency; Biotin deficiency. Identifiers: Orphanet 79241, MedGen C0220754, MONDO:0009665, OMIM 253260.

Allele frequency attached by ClinVar (database versions not stated): gnomAD exomes below 0.00001; ExAC 0.00001.

Submission:

Labcorp Genetics (formerly Invitae), Labcorp
Classification: Uncertain significance for Biotinidase deficiency. Last evaluated: 2021-04-02. Review status: criteria provided, single submitter. Criteria: Invitae Variant Classification Sherloc (09022015). Collection method: clinical testing. Allele origin: germline.
Comment: In summary, the available evidence is currently insufficient to determine the role of this variant in disease. Therefore, it has been classified as a Variant of Uncertain Significance. Algorithms developed to predict the effect of missense changes on protein structure and function are either unavailable or do not agree on the potential impact of this missense change (SIFT: "Deleterious"; PolyPhen-2: "Probably Damaging"; Align-GVGD: "Class C15"). This variant has not been reported in the literature in individuals with BTD-related conditions. This variant is present in population databases (rs776422082, ExAC 0.007%). This sequence change replaces histidine with tyrosine at codon 116 of the BTD protein (p.His116Tyr). The histidine residue is highly conserved and there is a moderate physicochemical difference between histidine and tyrosine.

NM_001370658.1(BTD):c.286C>T (p.His96Tyr)

Gene: BTD (biotinidase; plus strand). Cytogenetic location: 3p25.1.
Variant type: single nucleotide variant.
Coding change: c.286C>T on transcript NM_001370658.1 (MANE Select); coding-DNA position 286, C replaced by T.
Protein change: p.His96Tyr; replaces histidine 96 with tyrosine.
Molecular consequence: missense variant.
Genome position (GRCh38, 1-based): chr3:15,641,944, C>T. VCF-style: chr3-15641944-C-T. GRCh37 (hg19) VCF-style: chr3-15683451-C-T.
Other names: c.346C>T, p.His116Tyr (NM_000060.4); c.286C>T, p.His96Tyr (NM_001281723.4, NM_001281724.3, NM_001281725.3 and 36 more transcripts); c.349C>T, p.His117Tyr (NM_001407381.1); short protein forms H96Y, H117Y, H116Y.
Identifiers: ClinVar variation 1418829 (VCV001418829.9), dbSNP rs776422082, ClinGen allele CA2277298.